The following is an entry in ClinVar:

ClinVar aggregate classification (germline): Uncertain significance (1 of 4 stars; one submission).

Conditions:
Combined immunodeficiency due to STIM1 deficiency. Also called: IMMUNODEFICIENCY 10; STIM1 DEFICIENCY. Identifiers: Orphanet 169090, Orphanet 317430, MedGen C2748557, MONDO:0013008, OMIM 612783.
Myopathy with tubular aggregates (TAM). Also called: Tubular Aggregate Myopathy. Identifiers: Orphanet 2593, MedGen C0410207, MONDO:0008051.
Stormorken syndrome (STRMK). Also called: THROMBOCYTOPATHY, ASPLENIA, AND MIOSIS. Identifiers: Orphanet 3204, MedGen C1861451, MONDO:0008497, OMIM 185070.

Allele frequency attached by ClinVar (database versions not stated): gnomAD exomes 0.00001; TOPMed 0.00002.
gnomAD v4.1: 11 of 1,614,098 alleles (0.00068%); highest among the groups gnomAD compares: Admixed American, 0.0033%; no homozygotes.

Submission:

Labcorp Genetics (formerly Invitae), Labcorp
Classification: Uncertain significance for Myopathy with tubular aggregates; Combined immunodeficiency due to STIM1 deficiency; Stormorken syndrome. Last evaluated: 2025-05-21. Review status: criteria provided, single submitter. Criteria: Invitae Variant Classification Sherloc (09022015). Collection method: clinical testing. Allele origin: germline.
Comment: This sequence change replaces valine, which is neutral and non-polar, with methionine, which is neutral and non-polar, at codon 396 of the STIM1 protein (p.Val396Met). This variant is present in population databases (no rsID available, gnomAD 0.006%). This variant has not been reported in the literature in individuals affected with STIM1-related conditions. ClinVar contains an entry for this variant (Variation ID: 934559). Invitae Evidence Modeling of protein sequence and biophysical properties (such as structural, functional, and spatial information, amino acid conservation, physicochemical variation, residue mobility, and thermodynamic stability) has been performed for this missense variant. However, the output from this modeling did not meet the statistical confidence thresholds required to predict the impact of this variant on STIM1 protein function. In summary, the available evidence is currently insufficient to determine the role of this variant in disease. Therefore, it has been classified as a Variant of Uncertain Significance.

NM_001382567.1(STIM1):c.1186G>A (p.Val396Met)

Gene: STIM1 (stromal interaction molecule 1; plus strand). Cytogenetic location: 11p15.4.
Variant type: single nucleotide variant.
Coding change: c.1186G>A on transcript NM_001382567.1 (MANE Select); coding-DNA position 1186, G replaced by A.
Protein change: p.Val396Met; replaces valine 396 with methionine.
Molecular consequence: missense variant. On other transcripts: non-coding transcript variant (2).
Genome position (GRCh38, 1-based): chr11:4,082,930, G>A. VCF-style: chr11-4082930-G-A. GRCh37 (hg19) VCF-style: chr11-4104160-G-A.
Other names: c.1186G>A, p.Val396Met (NM_001277961.3, NM_001277962.2, NM_001382568.1 and 1 more transcripts); c.964G>A, p.Val322Met (NM_001382566.1, NM_001382573.1, NM_001382575.1 and 4 more transcripts); c.1051G>A, p.Val351Met (NM_001382569.1); c.958G>A, p.Val320Met (NM_001382570.1); c.706G>A, p.Val236Met (NM_001382571.1); c.697G>A, p.Val233Met (NM_001382580.1, NM_001382581.1); short protein forms V320M, V233M, V322M, V351M, V396M, V236M.
Identifiers: ClinVar variation 934559 (VCV000934559.10), dbSNP rs1430915758, ClinGen allele CA379193734.